The following is an entry in ClinVar:

ClinVar aggregate classification (germline): Uncertain significance. Review status: criteria provided, multiple submitters, no conflicts (2 of 4 stars). 3 submissions from 3 submitters: Uncertain significance (2). 1 of the submissions does not count toward it. Last evaluated 2022-06-30.

Conditions:
Inborn genetic diseases. Identifiers: MedGen C0950123, MeSH D030342.
Bifunctional peroxisomal enzyme deficiency (DBIF). Also called: DBP DEFICIENCY; D-bifunctional protein deficiency; PBFE DEFICIENCY. Identifiers: Orphanet 300, MedGen C0342870, MONDO:0009855, OMIM 261515. Disease mechanism: loss of function.

Allele frequency attached by ClinVar (database versions not stated): gnomAD exomes 0.00001; gnomAD 0.00002 and 0.00003; TOPMed 0.00003.
gnomAD v4.1: 21 of 1,594,118 alleles (0.0013%); highest among the groups gnomAD compares: Non-Finnish European, 0.0018%; no homozygotes.

Submissions (3):

Ambry Genetics
Classification: Uncertain significance for Inborn genetic diseases. Last evaluated: 2022-06-30. Review status: criteria provided, single submitter. Criteria: Ambry Variant Classification Scheme 2023. Collection method: clinical testing. Allele origin: germline.

Laboratory for Molecular Medicine, Mass General Brigham Personalized Medicine
Classification: Uncertain significance. Last evaluated: 2016-06-09. Review status: criteria provided, single submitter. Criteria: LMM Criteria. Collection method: clinical testing. Allele origin: germline. Observed: 1 variant allele.
Comment: The p.Arg580Gly variant in HSD17B4 has not been previously reported in individua ls with hearing loss or Perrault syndrome or in large population studies. Comput ational prediction tools and conservation analyses do not provide strong support for or against an impact to the protein. In summary, the clinical significance of the p.Arg580Gly variant is uncertain.

Natera, Inc.
Classification: Uncertain significance for Bifunctional peroxisomal enzyme deficiency. Last evaluated: 2020-02-12. Review status: no assertion criteria provided. Collection method: clinical testing. Allele origin: germline. Not counted in ClinVar's aggregate classification.

NM_000414.4(HSD17B4):c.1663A>G (p.Arg555Gly)

Gene: HSD17B4 (hydroxysteroid 17-beta dehydrogenase 4; plus strand). Cytogenetic location: 5q23.1.
Variant type: single nucleotide variant.
Coding change: c.1663A>G on transcript NM_000414.4 (MANE Select); coding-DNA position 1663, A replaced by G.
Protein change: p.Arg555Gly; replaces arginine 555 with glycine.
Molecular consequence: missense variant.
Genome position (GRCh38, 1-based): chr5:119,526,006, A>G. VCF-style: chr5-119526006-A-G. GRCh37 (hg19) VCF-style: chr5-118861701-A-G.
Other names: c.1738A>G, p.Arg580Gly (NM_001199291.3); c.1609A>G, p.Arg537Gly (NM_001199292.2); c.1591A>G, p.Arg531Gly (NM_001292027.2); c.1243A>G, p.Arg415Gly (NM_001292028.2); c.1663A>G (NM_000414.3); short protein forms R555G, R580G, R415G, R531G, R537G.
Identifiers: ClinVar variation 505141 (VCV000505141.7), dbSNP rs561555159, ClinGen allele CA125854233.